The following is an entry in ClinVar:

ClinVar aggregate classification (germline): Uncertain significance. Review status: criteria provided, multiple submitters, no conflicts (2 of 4 stars). 2 submissions from 2 submitters: Uncertain significance (2). Last evaluated 2025-11-26.

Conditions:
Inborn genetic diseases. Identifiers: MedGen C0950123, MeSH D030342.
Parkinson disease 17 (PARK17). Also called: VPS35-Related Parkinson Disease. Identifiers: Orphanet 411602, MedGen C3280133, MONDO:0013625, OMIM 614203.

gnomAD v4.1: 41 of 1,612,508 alleles (0.0025%); highest among the groups gnomAD compares: South Asian, 0.0033%; no homozygotes.

Submissions (2):

Ambry Genetics
Classification: Uncertain significance for Inborn genetic diseases. Last evaluated: 2025-11-26. Review status: criteria provided, single submitter. Criteria: Ambry Variant Classification Scheme 2023. Collection method: clinical testing. Allele origin: germline.

Labcorp Genetics (formerly Invitae), Labcorp
Classification: Uncertain significance for Parkinson disease 17. Last evaluated: 2024-08-16. Review status: criteria provided, single submitter. Criteria: Invitae Variant Classification Sherloc (09022015). Collection method: clinical testing. Allele origin: germline.
Comment: This sequence change replaces isoleucine, which is neutral and non-polar, with valine, which is neutral and non-polar, at codon 460 of the VPS35 protein (p.Ile460Val). This variant is present in population databases (rs367611000, gnomAD 0.007%). This variant has not been reported in the literature in individuals affected with VPS35-related conditions. Invitae Evidence Modeling of protein sequence and biophysical properties (such as structural, functional, and spatial information, amino acid conservation, physicochemical variation, residue mobility, and thermodynamic stability) indicates that this missense variant is not expected to disrupt VPS35 protein function with a negative predictive value of 80%. In summary, the available evidence is currently insufficient to determine the role of this variant in disease. Therefore, it has been classified as a Variant of Uncertain Significance.

NM_018206.6(VPS35):c.1378A>G (p.Ile460Val)

Gene: VPS35 (VPS35 retromer complex component; minus strand). Cytogenetic location: 16q11.2.
Variant type: single nucleotide variant.
Coding change: c.1378A>G on transcript NM_018206.6 (MANE Select); coding-DNA position 1378, A replaced by G.
Protein change: p.Ile460Val; replaces isoleucine 460 with valine.
Molecular consequence: missense variant.
Genome position (GRCh38, 1-based): chr16:46,671,851, T>C on the plus strand (A>G on the coding strand, the complement: VPS35 is on the minus strand). VCF-style: chr16-46671851-T-C. GRCh37 (hg19) VCF-style: chr16-46705763-T-C.
Other names: c.1378A>G (NM_018206.4); short protein forms I460V.
Identifiers: ClinVar variation 3619545 (VCV003619545.3).